The following is an entry in ClinVar:

ClinVar aggregate classification (germline): Uncertain significance (1 of 4 stars; one submission).

Conditions:
Episodic ataxia type 2 (EA2). Also called: ATAXIA, EPISODIC, WITH NYSTAGMUS; ATAXIA, FAMILIAL PAROXYSMAL; CEREBELLAR ATAXIA, PAROXYSMAL, ACETAZOLAMIDE-RESPONSIVE; CEREBELLOPATHY, HEREDITARY PAROXYSMAL; EPISODIC ATAXIA, NYSTAGMUS-ASSOCIATED; ACETAZOLAMIDE-RESPONSIVE HEREDITARY PAROXYSMAL CEREBELLAR ATAXIA. Identifiers: Orphanet 97, MedGen C1720416, MONDO:0007163, OMIM 108500.
Developmental and epileptic encephalopathy, 42 (DEE42A). Also called: DEVELOPMENTAL AND EPILEPTIC ENCEPHALOPATHY 42A; EPILEPTIC ENCEPHALOPATHY, EARLY INFANTILE, 42A; Epileptic encephalopathy, early infantile, 42. Identifiers: MedGen C4310716, MONDO:0014917, OMIM 617106.

Allele frequency attached by ClinVar (database versions not stated): gnomAD 0.00001; gnomAD exomes 0.00001; ExAC 0.00002; TOPMed 0.00002.
gnomAD v4.1: 9 of 1,613,032 alleles (0.00056%); highest among the groups gnomAD compares: African/African-American, 0.004%; no homozygotes.

Submission:

Labcorp Genetics (formerly Invitae), Labcorp
Classification: Uncertain significance for Developmental and epileptic encephalopathy, 42; Episodic ataxia type 2. Last evaluated: 2025-01-06. Review status: criteria provided, single submitter. Criteria: Invitae Variant Classification Sherloc (09022015). Collection method: clinical testing. Allele origin: germline.
Comment: This sequence change replaces isoleucine, which is neutral and non-polar, with threonine, which is neutral and polar, at codon 692 of the CACNA1A protein (p.Ile692Thr). This variant is present in population databases (rs775081414, gnomAD 0.01%). This variant has not been reported in the literature in individuals affected with CACNA1A-related conditions. ClinVar contains an entry for this variant (Variation ID: 1371414). Invitae Evidence Modeling of protein sequence and biophysical properties (such as structural, functional, and spatial information, amino acid conservation, physicochemical variation, residue mobility, and thermodynamic stability) indicates that this missense variant is expected to disrupt CACNA1A protein function with a positive predictive value of 95%. In summary, the available evidence is currently insufficient to determine the role of this variant in disease. Therefore, it has been classified as a Variant of Uncertain Significance.

NM_001127222.2(CACNA1A):c.2072T>C (p.Ile691Thr)

Gene: CACNA1A (calcium voltage-gated channel subunit alpha1 A; minus strand). Cytogenetic location: 19p13.13.
Variant type: single nucleotide variant.
Coding change: c.2072T>C on transcript NM_001127222.2 (MANE Select); coding-DNA position 2072, T replaced by C.
Protein change: p.Ile691Thr; replaces isoleucine 691 with threonine.
Molecular consequence: missense variant.
Genome position (GRCh38, 1-based): chr19:13,303,799, A>G on the plus strand (T>C on the coding strand, the complement: CACNA1A is on the minus strand). VCF-style: chr19-13303799-A-G. GRCh37 (hg19) VCF-style: chr19-13414613-A-G.
Other names: c.2075T>C, p.Ile692Thr (NM_000068.4, NM_001127221.2, NM_001174080.2 and 1 more transcripts); short protein forms I691T, I692T.
Identifiers: ClinVar variation 1371414 (VCV001371414.6), dbSNP rs775081414, ClinGen allele CA9240639.